The following is an entry in ClinVar:

NM_001184.4(ATR):c.6635T>C (p.Val2212Ala)

Gene: ATR (ATR checkpoint kinase; minus strand). Cytogenetic location: 3q23.
Variant type: single nucleotide variant.
Coding change: c.6635T>C on transcript NM_001184.4 (MANE Select); coding-DNA position 6635, T replaced by C.
Protein change: p.Val2212Ala; replaces valine 2212 with alanine.
Molecular consequence: missense variant.
Genome position (GRCh38, 1-based): chr3:142,467,986, A>G on the plus strand (T>C on the coding strand, the complement: ATR is on the minus strand). VCF-style: chr3-142467986-A-G. GRCh37 (hg19) VCF-style: chr3-142186828-A-G.
Other names: c.6443T>C, p.Val2148Ala (NM_001354579.2); short protein forms V2148A, V2212A.
Identifiers: ClinVar variation 1442333 (VCV001442333.6), dbSNP rs2108275967, ClinGen allele CA354803480.

ClinVar aggregate classification (germline): Uncertain significance. Review status: criteria provided, multiple submitters, no conflicts (2 of 4 stars). 4 submissions from 3 submitters: Uncertain significance (4). Last evaluated 2023-02-08.

Conditions:
Familial cutaneous telangiectasia and oropharyngeal predisposition cancer syndrome. Identifiers: Orphanet 313846, MedGen C3281203, MONDO:0013806, OMIM 614564.
Inborn genetic diseases. Identifiers: MedGen C0950123, MeSH D030342.
Seckel syndrome 1 (SCKL1). Also called: MICROCEPHALIC PRIMORDIAL DWARFISM I. Identifiers: Orphanet 808, MedGen C4551474, MONDO:0008869, OMIM 210600.

Allele frequency attached by ClinVar (database versions not stated): gnomAD exomes below 0.00001.
gnomAD v4.1: 4 of 1,613,156 alleles (0.00025%); highest among the groups gnomAD compares: Non-Finnish European, 0.00025%; no homozygotes.

Submissions (4):

Genome-Nilou Lab
Classification: Uncertain significance for Seckel syndrome 1. Last evaluated: 2023-02-08. Review status: criteria provided, single submitter. Criteria: ACMG Guidelines, 2015. Collection method: clinical testing. Allele origin: germline.

Genome-Nilou Lab
Classification: Uncertain significance for Familial cutaneous telangiectasia and oropharyngeal predisposition cancer syndrome. Last evaluated: 2023-02-08. Review status: criteria provided, single submitter. Criteria: ACMG Guidelines, 2015. Collection method: clinical testing. Allele origin: germline.

Ambry Genetics
Classification: Uncertain significance for Inborn genetic diseases. Last evaluated: 2022-06-07. Review status: criteria provided, single submitter. Criteria: Ambry Variant Classification Scheme 2023. Collection method: clinical testing. Allele origin: germline.
Comment: The p.V2212A variant (also known as c.6635T>C), located in coding exon 39 of the ATR gene, results from a T to C substitution at nucleotide position 6635. The valine at codon 2212 is replaced by alanine, an amino acid with similar properties. This amino acid position is conserved. In addition, this alteration is predicted to be tolerated by in silico analysis. Since supporting evidence is limited at this time, the clinical significance of this alteration remains unclear.

Labcorp Genetics (formerly Invitae), Labcorp
Classification: Uncertain significance. Last evaluated: 2022-02-25. Review status: criteria provided, single submitter. Criteria: Invitae Variant Classification Sherloc (09022015). Collection method: clinical testing. Allele origin: germline.
Comment: In summary, the available evidence is currently insufficient to determine the role of this variant in disease. Therefore, it has been classified as a Variant of Uncertain Significance. Algorithms developed to predict the effect of missense changes on protein structure and function are either unavailable or do not agree on the potential impact of this missense change (SIFT: "Deleterious"; PolyPhen-2: "Benign"; Align-GVGD: "Class C25"). This variant has not been reported in the literature in individuals affected with ATR-related conditions. This variant is not present in population databases (gnomAD no frequency). This sequence change replaces valine, which is neutral and non-polar, with alanine, which is neutral and non-polar, at codon 2212 of the ATR protein (p.Val2212Ala).